The following is an entry in ClinVar:

NM_001165963.4(SCN1A):c.1141C>G (p.Gln381Glu)

Gene: SCN1A (sodium voltage-gated channel alpha subunit 1; minus strand). Cytogenetic location: 2q24.3.
Variant type: single nucleotide variant.
Coding change: c.1141C>G on transcript NM_001165963.4 (MANE Select); coding-DNA position 1141, C replaced by G.
Protein change: p.Gln381Glu; replaces glutamine 381 with glutamic acid.
Molecular consequence: missense variant. On other transcripts: 5 prime UTR variant (1), non-coding transcript variant (1).
Genome position (GRCh38, 1-based): chr2:166,047,656, G>C on the plus strand (C>G on the coding strand, the complement: SCN1A is on the minus strand). VCF-style: chr2-166047656-G-C. GRCh37 (hg19) VCF-style: chr2-166904166-G-C.
Other names: c.1141C>G, p.Gln381Glu (NM_001165964.3, NM_001202435.3, NM_001353948.2 and 10 more transcripts); c.-1285C>G (NM_001353961.2); short protein forms Q381E.
Identifiers: ClinVar variation 1300705 (VCV001300705.3), dbSNP rs1553547403, ClinGen allele CA349071132.

ClinVar aggregate classification (germline): Likely pathogenic (1 of 4 stars; one submission).

Submission:

GeneDx
Classification: Likely pathogenic. Last evaluated: 2022-04-25. Review status: criteria provided, single submitter. Criteria: GeneDx Variant Classification Process June 2021. Collection method: clinical testing. Allele origin: germline. Affected: yes.
Comment: Has not been previously published as pathogenic or benign to our knowledge; Missense variants in this gene are often considered pathogenic (HGMD); In silico analysis supports that this missense variant has a deleterious effect on protein structure/function; This substitution is predicted to be within the pore forming loop between the S5 and S6 transmembrane segments of the first homologous domain; Not observed at significant frequency in large population cohorts (gnomAD)